The following is an entry in ClinVar:

NM_001136191.3(KANK2):c.173C>T (p.Thr58Met)

Gene: KANK2 (KN motif and ankyrin repeat domains 2; minus strand). Cytogenetic location: 19p13.2.
Variant type: single nucleotide variant.
Coding change: c.173C>T on transcript NM_001136191.3 (MANE Select); coding-DNA position 173, C replaced by T.
Protein change: p.Thr58Met; replaces threonine 58 with methionine.
Molecular consequence: missense variant.
Genome position (GRCh38, 1-based): chr19:11,193,907, G>A on the plus strand (C>T on the coding strand, the complement: KANK2 is on the minus strand). VCF-style: chr19-11193907-G-A. GRCh37 (hg19) VCF-style: chr19-11304583-G-A.
Other names: c.173C>T, p.Thr58Met (NM_001329451.2, NM_001379548.1, NM_001379549.1 and 15 more transcripts); short protein forms T58M.
Identifiers: ClinVar variation 2417333 (VCV002417333.6), dbSNP rs746234296, ClinGen allele CA9206143.

ClinVar aggregate classification (germline): Uncertain significance (1 of 4 stars; one submission).

Allele frequency attached by ClinVar (database versions not stated): TOPMed 0.00002; gnomAD 0.00005.
gnomAD v4.1: 25 of 1,613,762 alleles (0.0015%); highest among the groups gnomAD compares: Middle Eastern, 0.033%; no homozygotes.

Submission:

Labcorp Genetics (formerly Invitae), Labcorp
Classification: Uncertain significance. Last evaluated: 2025-08-21. Review status: criteria provided, single submitter. Criteria: Invitae Variant Classification Sherloc (09022015). Collection method: clinical testing. Allele origin: germline.
Comment: This sequence change replaces threonine, which is neutral and polar, with methionine, which is neutral and non-polar, at codon 58 of the KANK2 protein (p.Thr58Met). This variant is present in population databases (rs746234296, gnomAD 0.02%). This variant has not been reported in the literature in individuals affected with KANK2-related conditions. ClinVar contains an entry for this variant (Variation ID: 2417333). An algorithm developed to predict the effect of missense changes on protein structure and function (PolyPhen-2) suggests that this variant is likely to be disruptive. In summary, the available evidence is currently insufficient to determine the role of this variant in disease. Therefore, it has been classified as a Variant of Uncertain Significance.